The following is an entry in ClinVar:

ClinVar aggregate classification (germline): Uncertain significance (1 of 4 stars; one submission).

Conditions:
Charcot-Marie-Tooth disease axonal type 2C (HMSN2C). Also called: Charcot-Marie-Tooth Disease Type 2, TRPV4-Related (CMT2C); CHARCOT-MARIE-TOOTH DISEASE, AXONAL, AUTOSOMAL DOMINANT, TYPE 2C; Charcot-Marie-Tooth Neuropathy Type 2C. Identifiers: Orphanet 99937, MedGen C1853710, MONDO:0011633, OMIM 606071.

Submission:

Labcorp Genetics (formerly Invitae), Labcorp
Classification: Uncertain significance for Charcot-Marie-Tooth disease axonal type 2C. Last evaluated: 2019-05-10. Review status: criteria provided, single submitter. Criteria: Invitae Variant Classification Sherloc (09022015). Collection method: clinical testing. Allele origin: germline.
Comment: In summary, the available evidence is currently insufficient to determine the role of this variant in disease. Therefore, it has been classified as a Variant of Uncertain Significance. Algorithms developed to predict the effect of missense changes on protein structure and function are either unavailable or do not agree on the potential impact of this missense change (SIFT: "Tolerated"; PolyPhen-2: "Possibly Damaging"; Align-GVGD: "Class C0"). This variant has not been reported in the literature in individuals with TRPV4-related conditions. This variant is not present in population databases (ExAC no frequency). This sequence change replaces glycine with tryptophan at codon 42 of the TRPV4 protein (p.Gly42Trp). The glycine residue is weakly conserved and there is a large physicochemical difference between glycine and tryptophan.

NM_021625.5(TRPV4):c.124G>T (p.Gly42Trp)

Gene: TRPV4 (transient receptor potential cation channel subfamily V member 4; minus strand). Cytogenetic location: 12q24.11.
Variant type: single nucleotide variant.
Coding change: c.124G>T on transcript NM_021625.5 (MANE Select); coding-DNA position 124, G replaced by T.
Protein change: p.Gly42Trp; replaces glycine 42 with tryptophan.
Molecular consequence: missense variant. On other transcripts: intron variant (1).
Genome position (GRCh38, 1-based): chr12:109,814,673, C>A on the plus strand (G>T on the coding strand, the complement: TRPV4 is on the minus strand). VCF-style: chr12-109814673-C-A. GRCh37 (hg19) VCF-style: chr12-110252478-C-A.
Other names: c.124G>T, p.Gly42Trp (NM_001177428.2, NM_001177433.2, NM_147204.3); c.79+45G>T (NM_001177431.1); short protein forms G42W.
Identifiers: ClinVar variation 944716 (VCV000944716.9), dbSNP rs1891750610, ClinGen allele CA386660759.